The following is an entry in ClinVar:

ClinVar aggregate classification (germline): Uncertain significance (1 of 4 stars; one submission).

Conditions:
Nephrotic syndrome 16. Identifiers: MedGen C4540453, MONDO:0033280, OMIM 617783.
Wooly hair-palmoplantar keratoderma syndrome. Also called: Palmoplantar keratoderma and woolly hair; Woolly hair-palmoplantar keratoderma syndrome. Identifiers: Orphanet 420686, MedGen C4015202, MONDO:0014492, OMIM 616099.

Submission:

Juno Genomics, Hangzhou Juno Genomics, Inc
Classification: Uncertain significance for Nephrotic syndrome 16; Wooly hair-palmoplantar keratoderma syndrome. Review status: criteria provided, single submitter. Criteria: ACMG Guidelines, 2015. Collection method: clinical testing. Allele origin: germline.
Comment: Absent from controls (or at extremely low frequency if recessive) in Genome Aggregation Database.;Protein length changes due to in-frame deletions/insertions in a non-repeat region or stop-loss variants.

NM_001136191.3(KANK2):c.1484_1486del (p.His495del)

Gene: KANK2 (KN motif and ankyrin repeat domains 2; minus strand). Cytogenetic location: 19p13.2.
Variant type: Deletion.
Coding change: c.1484_1486del on transcript NM_001136191.3 (MANE Select); coding-DNA positions 1484 to 1486, 3 bases deleted (ACC; older notation c.1484_1486delACC).
Protein change: p.His495del; deletes histidine 495.
Molecular consequence: inframe deletion.
Genome position (GRCh38, 1-based): chr19:11,178,379-11,178,381, GGT deleted on the plus strand (ACC on the coding strand, the reverse complement: KANK2 is on the minus strand); deleting any 3 consecutive bases within chr19:11,178,379-11,178,383 gives the same sequence; the c. name uses the placement nearest the transcript's 3' end. VCF-style (leftmost placement, unchanged base first): chr19-11178378-CGGT-C. GRCh37 (hg19) VCF-style: chr19-11289054-CGGT-C.
Other names: c.1508_1510del, p.His503del (NM_001379549.1, NM_001379550.1, NM_001379551.1 and 5 more transcripts); c.1484_1486del, p.His495del (NM_001379555.1, NM_001379556.1, NM_001379557.1 and 7 more transcripts); short protein forms H495del, H503del.
Identifiers: ClinVar variation 5018699 (VCV005018699.2).
Genomic context (GRCh38, chr19:11,178,378, plus strand): 5'-GTGGGGGGTGGGGTCTTCTCCTCTCACCCGCCGTTGACCCCCACGAACTGGAGGCTCCTC[CGGT>C]GGGCCGTGGGGTCTGCAACCTCCTCTTTCCGTTTCATGATAGATCGCACGCCTGCCGGGG-3'